The following is an entry in ClinVar:

ClinVar aggregate classification (germline): Benign/Likely benign. Review status: criteria provided, multiple submitters, no conflicts (2 of 4 stars). 6 submissions from 6 submitters: Benign (1); Likely benign (5). Last evaluated 2026-01-27.

Conditions:
Hereditary nonpolyposis colorectal neoplasms. Identifiers: MedGen C0009405, MeSH D003123.
Hereditary cancer-predisposing syndrome. Also called: Tumor predisposition; Hereditary neoplastic syndrome; Neoplastic Syndromes, Hereditary; Hereditary Cancer Syndrome. Identifiers: Orphanet 140162, MedGen C0027672, MeSH D009386, MONDO:0015356.
Lynch syndrome 5 (LYNCH5). Also called: Colorectal cancer, hereditary nonpolyposis, type 5; Hereditary non-polyposis colorectal cancer, type 5. Identifiers: Orphanet 144, MedGen C1833477, MONDO:0013710, OMIM 614350. Disease mechanism: loss of function.

Allele frequency attached by ClinVar (database versions not stated): ESP Exome Variant Server 0.00008; TOPMed 0.00011.
gnomAD v4.1: 122 of 1,613,598 alleles (0.0076%); highest among the groups gnomAD compares: Non-Finnish European, 0.0099%; no homozygotes.

Submissions (6):

Labcorp Genetics (formerly Invitae), Labcorp
Classification: Likely benign for Hereditary nonpolyposis colorectal neoplasms. Last evaluated: 2026-01-27. Review status: criteria provided, single submitter. Criteria: Invitae Variant Classification Sherloc (09022015). Collection method: clinical testing. Allele origin: germline.

Myriad Genetics, Inc.
Classification: Likely benign for Lynch syndrome 5. Last evaluated: 2024-12-18. Review status: criteria provided, single submitter. Criteria: Myriad Autosomal Dominant, Autosomal Recessive and X-Linked Classification Criteria (2023). Collection method: clinical testing. Allele origin: unknown.
Comment: This variant is considered likely benign. This variant is intronic and is not expected to impact mRNA splicing. This variant is strongly associated with less severe personal and family histories of cancer, typical for individuals without pathogenic variants in this gene [PMID: 27363726].

Blueprint Genetics
Classification: Likely benign. Last evaluated: 2024-09-05. Review status: criteria provided, single submitter. Criteria: ACMG Guidelines, 2015. Collection method: clinical testing. Allele origin: germline.

Department of Pathology and Laboratory Medicine, Sinai Health System
Classification: Likely benign for Lynch syndrome 5. Last evaluated: 2024-02-05. Review status: criteria provided, single submitter. Criteria: ACMG Guidelines, 2015. Collection method: clinical testing. Allele origin: germline. Affected: yes.

Color Diagnostics, LLC DBA Color Health
Classification: Likely benign for Hereditary cancer-predisposing syndrome. Last evaluated: 2017-08-14. Review status: criteria provided, single submitter. Criteria: ACMG Guidelines, 2015. Collection method: clinical testing. Allele origin: germline.

GeneDx
Classification: Benign. Last evaluated: 2014-01-30. Review status: criteria provided, single submitter. Criteria: GeneDx Variant Classification (06012015). Collection method: clinical testing. Allele origin: germline. Affected: yes.
Comment: This variant is considered likely benign or benign based on one or more of the following criteria: it is a conservative change, it occurs at a poorly conserved position in the protein, it is predicted to be benign by multiple in silico algorithms, and/or has population frequency not consistent with disease.

Literature cited by the submitters: PubMed 27363726 (cited by Myriad Genetics, Inc.).

NM_000179.3(MSH6):c.261-14C>A

Gene: MSH6 (mutS homolog 6; plus strand). Cytogenetic location: 2p16.3.
Variant type: single nucleotide variant.
Coding change: c.261-14C>A on transcript NM_000179.3 (MANE Select); 14 bases into the intron before coding-DNA position 261, C replaced by A.
Molecular consequence: intron variant.
Genome position (GRCh38, 1-based): chr2:47,790,913, C>A. VCF-style: chr2-47790913-C-A. GRCh37 (hg19) VCF-style: chr2-48018052-C-A.
Other names: c.-476-14C>A (NM_001281493.2); c.237+7443C>A (NM_001281492.2); c.-642-14C>A (NM_001281494.2).
Identifiers: ClinVar variation 138263 (VCV000138263.16), dbSNP rs369366445, ClinGen allele CA010590.